The following is an entry in ClinVar:

NM_000496.3(CRYBB2):c.433C>T (p.Arg145Trp)

Gene: CRYBB2 (crystallin beta B2; plus strand). Cytogenetic location: 22q11.23.
Variant type: single nucleotide variant.
Coding change: c.433C>T on transcript NM_000496.3 (MANE Select); coding-DNA position 433, C replaced by T.
Protein change: p.Arg145Trp; replaces arginine 145 with tryptophan.
Molecular consequence: missense variant.
Genome position (GRCh38, 1-based): chr22:25,229,562, C>T. VCF-style: chr22-25229562-C-T. GRCh37 (hg19) VCF-style: chr22-25625529-C-T.
Other names: short protein forms R145W.
Identifiers: ClinVar variation 2628849 (VCV002628849.4), dbSNP rs2330991, ClinGen allele CA10158010.

ClinVar aggregate classification (germline): Conflicting classifications of pathogenicity. Review status: criteria provided, conflicting classifications (1 of 4 stars). 3 submissions from 3 submitters: Likely pathogenic (1); Uncertain significance (1). 1 of the submissions does not count toward it. Last evaluated 2026-08-01.

Conditions:
Cataract 3 multiple types. Also called: CATARACT 3, MULTIPLE TYPES, WITH OR WITHOUT MICROCORNEA. Identifiers: Orphanet 1377, MedGen C1832175, MONDO:0011104, OMIM 601547.
CRYBB2-related disorder. Also called: CRYBB2-related condition.

Allele frequency attached by ClinVar (database versions not stated): gnomAD exomes 0.00001; gnomAD 0.00003; ExAC 0.00004.

Submissions (3):

CeGaT Center for Human Genetics Tuebingen
Classification: Likely pathogenic. Last evaluated: 2026-08-01. Review status: criteria provided, single submitter. Criteria: CeGaT Center For Human Genetics Tuebingen Variant Classification Criteria Version 2. Collection method: clinical testing. Allele origin: germline. Affected: yes. Observed: 1 variant allele.
Comment: CRYBB2: PM2, PM5, PP3, PS3:Supporting

Labcorp Genetics (formerly Invitae), Labcorp
Classification: Uncertain significance for Cataract 3 multiple types. Last evaluated: 2026-01-03. Review status: criteria provided, single submitter. Criteria: Invitae Variant Classification Sherloc (09022015). Collection method: clinical testing. Allele origin: germline.
Comment: This sequence change replaces arginine, which is basic and polar, with tryptophan, which is neutral and slightly polar, at codon 145 of the CRYBB2 protein (p.Arg145Trp). The frequency data for this variant in the population databases is considered unreliable, as metrics indicate poor data quality at this position in the gnomAD database. This missense change has been observed in individual(s) with CRYBB2-related conditions (PMID: 19182255, 25489230). ClinVar contains an entry for this variant (Variation ID: 2628849). An algorithm developed to predict the effect of missense changes on protein structure and function (PolyPhen-2) suggests that this variant is likely to be disruptive. Experimental studies are conflicting or provide insufficient evidence to determine the effect of this variant on CRYBB2 function (PMID: 29805843, 30219234). In summary, the available evidence is currently insufficient to determine the role of this variant in disease. Therefore, it has been classified as a Variant of Uncertain Significance.

PreventionGenetics, part of Exact Sciences
Classification: Uncertain significance for CRYBB2-related condition. Last evaluated: 2024-09-05. Review status: no assertion criteria provided. Collection method: clinical testing. Allele origin: germline. Not counted in ClinVar's aggregate classification.
Comment: The CRYBB2 c.433C>T variant is predicted to result in the amino acid substitution p.Arg145Trp. This variant along with two other missense variants in CRYBB2 (p.Gln147Arg and p.Thr150Met) have been reported in the heterozygous state in patients and families with congenital cataracts (Family CC00133 in Hansen et al. 2009. PubMed ID: 19182255; Garnai et al. 2014. PubMed ID: 25489230; Zhuang et al. 2019. PubMed ID: 31523120). Using primers specific to both CRYBB2 and its pseudogene (CRYBB2P1), Garnai et al. were able to show that the three variants resulted from a de novo gene conversion event involving the transfer of ~270 base pairs from the pseudogene to CRYBB2 (Garnai et al. 2014. PubMed ID: 25489230). This variant is reported in 0.0056% of alleles in individuals of Latino descent in gnomAD. Of note, another large family with congenital cataracts was reported to have the CRYBB2 p.Gln147Arg and p.Thr150Met variants without the p.Arg145Trp variant. This family also had additional variants in other cataract related genes (GJA3 and HSF4) (Lv et al. 2014. PubMed ID: 24637349). To our knowledge, studies analyzing the functional consequences of these variants either individually or in combination with one another have not been completed. Although we suspect that the c.433C>T (p.Arg145Trp) variant may be pathogenic, at this time, its clinical significance is uncertain due to the absence of conclusive functional and genetic evidence.

Literature cited by the submitters: PubMed 19182255 (cited by Labcorp Genetics (formerly Invitae), Labcorp); PubMed 25489230 (cited by Labcorp Genetics (formerly Invitae), Labcorp); PubMed 29805843 (cited by Labcorp Genetics (formerly Invitae), Labcorp); PubMed 30219234 (cited by Labcorp Genetics (formerly Invitae), Labcorp).